The following is an entry in ClinVar:

ClinVar aggregate classification (germline): Uncertain significance (1 of 4 stars; one submission).

Submission:

Labcorp Genetics (formerly Invitae), Labcorp
Classification: Uncertain significance. Last evaluated: 2021-09-25. Review status: criteria provided, single submitter. Criteria: Invitae Variant Classification Sherloc (09022015). Collection method: clinical testing. Allele origin: germline.
Comment: This variant, c.383_388dup, results in the insertion of 2 amino acid(s) to the YWHAG protein (p.Asp129_Tyr130insTrpAsp), but otherwise preserves the integrity of the reading frame. In summary, the available evidence is currently insufficient to determine the role of this variant in disease. Therefore, it has been classified as a Variant of Uncertain Significance. Experimental studies and prediction algorithms are not available or were not evaluated, and the functional significance of this variant is currently unknown. This variant has not been reported in the literature in individuals affected with YWHAG-related conditions. This variant is not present in population databases (ExAC no frequency).

NM_012479.4(YWHAG):c.383_388dup (p.Asp129_Tyr130insTrpAsp)

Gene: YWHAG (tyrosine 3-monooxygenase/tryptophan 5-monooxygenase activation protein gamma; minus strand). Cytogenetic location: 7q11.23.
Variant type: Duplication.
Coding change: c.383_388dup on transcript NM_012479.4 (MANE Select); coding-DNA positions 383 to 388, 6 bases duplicated (GGGACT; older notation c.383_388dupGGGACT).
Protein change: p.Asp129_Tyr130insTrpAsp.
Molecular consequence: inframe insertion.
Genome position (GRCh38, 1-based): chr7:76,329,933-76,329,938, AGTCCC duplicated on the plus strand (GGGACT on the coding strand, the reverse complement: YWHAG is on the minus strand). VCF-style (leftmost placement, unchanged base first): chr7-76329932-T-TAGTCCC. GRCh37 (hg19) VCF-style: chr7-75959249-T-TAGTCCC.
Identifiers: ClinVar variation 1383096 (VCV001383096.6), dbSNP rs2115588555, ClinGen allele CA2573142322.